The following is an entry in ClinVar:

NM_003072.5(SMARCA4):c.2274+1G>C

Gene: SMARCA4 (SWI/SNF related BAF chromatin remodeling complex subunit ATPase 4; plus strand). Cytogenetic location: 19p13.2.
Variant type: single nucleotide variant.
Coding change: c.2274+1G>C on transcript NM_003072.5 (MANE Select); the canonical splice donor site of the intron after coding-DNA position 2274, G replaced by C.
Molecular consequence: splice donor variant.
Genome position (GRCh38, 1-based): chr19:11,010,532, G>C. VCF-style: chr19-11010532-G-C. GRCh37 (hg19) VCF-style: chr19-11121208-G-C.
Other names: c.2274+1G>C (NM_001128844.3, NM_001128849.3, NM_001128847.4 and 6 more transcripts).
Identifiers: ClinVar variation 1506006 (VCV001506006.8), dbSNP rs867740591, ClinGen allele CA404052986.

ClinVar aggregate classification (germline): Likely pathogenic (1 of 4 stars; one submission).

Conditions:
Rhabdoid tumor predisposition syndrome 2 (RTPS2). Identifiers: Orphanet 231108, Orphanet 69077, MedGen C2750074, MONDO:0013224, OMIM 613325.

Submission:

Labcorp Genetics (formerly Invitae), Labcorp
Classification: Likely pathogenic for Rhabdoid tumor predisposition syndrome 2. Last evaluated: 2020-11-06. Review status: criteria provided, single submitter. Criteria: Invitae Variant Classification Sherloc (09022015). Collection method: clinical testing. Allele origin: germline.
Comment: This sequence change affects a donor splice site in intron 15 of the SMARCA4 gene. It is expected to disrupt RNA splicing. Variants that disrupt the donor or acceptor splice site typically lead to a loss of protein function (PMID: 16199547), and loss-of-function variants in SMARCA4 are known to be pathogenic (PMID: 24658001, 24658002). This variant is not present in population databases (ExAC no frequency). This variant has not been reported in the literature in individuals with SMARCA4-related conditions. Algorithms developed to predict the effect of sequence changes on RNA splicing suggest that this variant may disrupt the consensus splice site, but this prediction has not been confirmed by published transcriptional studies. In summary, the currently available evidence indicates that the variant is pathogenic, but additional data are needed to prove that conclusively. Therefore, this variant has been classified as Likely Pathogenic.

Literature cited by the submitters: PubMed 16199547; PubMed 24658001; PubMed 24658002.